The following is an entry in ClinVar:

ClinVar aggregate classification (germline): Uncertain significance (1 of 4 stars; one submission).

Allele frequency attached by ClinVar (database versions not stated): ExAC 0.00006; TOPMed 0.00007; gnomAD 0.00008; ESP Exome Variant Server 0.00015.
gnomAD v4.1: 113 of 1,612,404 alleles (0.007%); highest among the groups gnomAD compares: Middle Eastern, 0.016%; no homozygotes.

Submission:

Labcorp Genetics (formerly Invitae), Labcorp
Classification: Uncertain significance. Last evaluated: 2025-09-29. Review status: criteria provided, single submitter. Criteria: Invitae Variant Classification Sherloc (09022015). Collection method: clinical testing. Allele origin: germline.
Comment: This sequence change replaces arginine, which is basic and polar, with cysteine, which is neutral and slightly polar, at codon 116 of the NDUFB8 protein (p.Arg116Cys). This variant is present in population databases (rs150699698, gnomAD 0.01%). This variant has not been reported in the literature in individuals affected with NDUFB8-related conditions. ClinVar contains an entry for this variant (Variation ID: 2149745). An algorithm developed to predict the effect of missense changes on protein structure and function (PolyPhen-2) suggests that this variant is likely to be disruptive. In summary, the available evidence is currently insufficient to determine the role of this variant in disease. Therefore, it has been classified as a Variant of Uncertain Significance.

NM_005004.4(NDUFB8):c.346C>T (p.Arg116Cys)

Gene: NDUFB8 (NADH:ubiquinone oxidoreductase subunit B8; minus strand). Cytogenetic location: 10q24.31.
Variant type: single nucleotide variant.
Coding change: c.346C>T on transcript NM_005004.4 (MANE Select); coding-DNA position 346, C replaced by T.
Protein change: p.Arg116Cys; replaces arginine 116 with cysteine.
Molecular consequence: missense variant.
Genome position (GRCh38, 1-based): chr10:100,526,521, G>A on the plus strand (C>T on the coding strand, the complement: NDUFB8 is on the minus strand). VCF-style: chr10-100526521-G-A. GRCh37 (hg19) VCF-style: chr10-102286278-G-A.
Other names: c.346C>T, p.Arg116Cys (NM_001284367.2); c.253C>T, p.Arg85Cys (NM_001284368.1); short protein forms R116C, R85C.
Identifiers: ClinVar variation 2149745 (VCV002149745.4), dbSNP rs150699698, ClinGen allele CA5650167.